The following is an entry in ClinVar:

ClinVar aggregate classification (germline): Likely benign. Review status: criteria provided, multiple submitters, no conflicts (2 of 4 stars). 2 submissions from 2 submitters: Likely benign (2). Last evaluated 2025-07-30.

Conditions:
Progressive myoclonic epilepsy. Also called: Myoclonus epilepsy; Progressive myoclonus epilepsy; Familial progressive myoclonic epilepsy; Myoclonic Epilepsies, Progressive. Identifiers: Orphanet 308, Orphanet 98261, MedGen C0751778, MONDO:0020074.

Allele frequency attached by ClinVar (database versions not stated): gnomAD exomes below 0.00001; gnomAD 0.00001; TOPMed 0.00002.
gnomAD v4.1: 3 of 1,613,952 alleles (0.00019%); highest among the groups gnomAD compares: Admixed American, 0.005%; no homozygotes.

Submissions (2):

Labcorp Genetics (formerly Invitae), Labcorp
Classification: Likely benign for Progressive myoclonic epilepsy. Last evaluated: 2025-07-30. Review status: criteria provided, single submitter. Criteria: Invitae Variant Classification Sherloc (09022015). Collection method: clinical testing. Allele origin: germline.

GeneDx
Classification: Likely benign. Last evaluated: 2017-06-30. Review status: criteria provided, single submitter. Criteria: GeneDx Variant Classification (06012015). Collection method: clinical testing. Allele origin: germline. Affected: yes.
Comment: This variant is considered likely benign or benign based on one or more of the following criteria: it is a conservative change, it occurs at a poorly conserved position in the protein, it is predicted to be benign by multiple in silico algorithms, and/or has population frequency not consistent with disease.

NM_005670.4(EPM2A):c.726A>G (p.Val242=)

Gene: EPM2A (EPM2A glucan phosphatase, laforin; minus strand). Cytogenetic location: 6q24.3.
Variant type: single nucleotide variant.
Coding change: c.726A>G on transcript NM_005670.4 (MANE Select); coding-DNA position 726, A replaced by G.
Protein change: p.Val242=; no amino-acid change (valine 242 retained).
Molecular consequence: synonymous variant. On other transcripts: missense variant (1), non-coding transcript variant (1).
Genome position (GRCh38, 1-based): chr6:145,627,686, T>C on the plus strand (A>G on the coding strand, the complement: EPM2A is on the minus strand). VCF-style: chr6-145627686-T-C. GRCh37 (hg19) VCF-style: chr6-145948822-T-C.
Other names: c.726A>G, p.Val242= (NM_001018041.2); c.484A>G, p.Thr162Ala (NM_001360057.2); c.312A>G, p.Val104= (NM_001360064.2, NM_001360071.2, NM_001368131.1); c.264A>G, p.Val88= (NM_001368129.2, NM_001368132.1); short protein forms T162A.
Identifiers: ClinVar variation 516054 (VCV000516054.11), dbSNP rs1485448690, ClinGen allele CA452576673.
Genomic context (GRCh38, chr6:145,627,686, plus strand): 5'-CACGATGTGTCCCTTCTCCAGCAGCGCATGCAGCAGGCACACCGCCTGGGGCAGCATCTG[T>C]ACTCGGCCTGCGGTGGGGAAAGCACAGCACACATGTGAATAACTAAACCACCAGATACCG-3'
Protein context (NP_005661.1, residues 232-252): PTPDMSTEGR[Val242=]QMLPQAVCLL